The following is an entry in ClinVar:

ClinVar aggregate classification (germline): Benign/Likely benign. Review status: criteria provided, multiple submitters, no conflicts (2 of 4 stars). 10 submissions from 10 submitters: Benign (7); Likely benign (1). 2 of the submissions do not count toward it. Last evaluated 2024-11-27.

Conditions:
Autosomal recessive nonsyndromic hearing loss 22. Identifiers: Orphanet 90636, MedGen C1846896, MONDO:0011762, OMIM 607039.

Allele frequency attached by ClinVar (database versions not stated): ExAC 0.00428; gnomAD exomes 0.03046; gnomAD 0.10607; 1000 Genomes Project 30x 0.17567.

Submissions (10):

Blueprint Genetics
Classification: Likely benign. Last evaluated: 2024-11-27. Review status: criteria provided, single submitter. Criteria: ACMG Guidelines, 2015. Collection method: clinical testing. Allele origin: germline.

ARUP Laboratories, Molecular Genetics and Genomics, ARUP Laboratories
Classification: Benign for Autosomal recessive nonsyndromic hearing loss 22. Last evaluated: 2023-11-07. Review status: criteria provided, single submitter. Criteria: ARUP Molecular Germline Variant Investigation Process 2024. Collection method: clinical testing. Allele origin: germline.

Mayo Clinic Laboratories, Mayo Clinic
Classification: Benign. Last evaluated: 2021-05-03. Review status: criteria provided, single submitter. Criteria: ACMG Guidelines, 2015. Collection method: clinical testing. Allele origin: germline. Observed: 24 variant alleles.

GeneDx
Classification: Benign. Last evaluated: 2018-02-26. Review status: criteria provided, single submitter. Criteria: GeneDx Variant Classification (06012015). Collection method: clinical testing. Allele origin: germline. Affected: yes.
Comment: This variant is considered likely benign or benign based on one or more of the following criteria: it is a conservative change, it occurs at a poorly conserved position in the protein, it is predicted to be benign by multiple in silico algorithms, and/or has population frequency not consistent with disease.

PreventionGenetics, part of Exact Sciences
Classification: Benign. Last evaluated: 2016-02-29. Review status: criteria provided, single submitter. Criteria: ACMG Guidelines, 2015. Collection method: clinical testing. Allele origin: germline.

Laboratory for Molecular Medicine, Mass General Brigham Personalized Medicine
Classification: Benign. Last evaluated: 2015-03-02. Review status: criteria provided, single submitter. Criteria: LMM Criteria. Collection method: clinical testing. Allele origin: germline. Observed: 34 variant alleles.
Comment: p.Ala743Ala in Exon 20 of OTOA: This variant is not expected to have clinical si gnificance because it does not alter an amino acid residue and is not located wi thin the splice consensus sequence and it has been identified in 0.4% (490/11461 0) of chromosomes including 62 individuals who were homozygous by the Exome Aggr egation Consortium (ExAC; rs139312489).

Eurofins Ntd Llc (ga)
Classification: Benign. Last evaluated: 2014-12-10. Review status: criteria provided, single submitter. Criteria: EGL Classification Definitions 2015. Collection method: clinical testing. Allele origin: germline. Observed: 3 variant alleles, 1 heterozygote, 2 homozygotes.

Breakthrough Genomics
Classification: Benign. Review status: criteria provided, single submitter. Criteria: ACMG Guidelines, 2015. Collection method: not provided. Allele origin: germline. Inheritance: Autosomal recessive inheritance. Affected: yes.

Clinical Genetics DNA and cytogenetics Diagnostics Lab, Erasmus MC, Erasmus Medical Center
Classification: Likely benign. Review status: no assertion criteria provided. Collection method: clinical testing. Allele origin: germline. Affected: yes. Study: VKGL Data-share Consensus. Not counted in ClinVar's aggregate classification.

Joint Genome Diagnostic Labs from Nijmegen and Maastricht, Radboudumc and MUMC+
Classification: Likely benign. Review status: no assertion criteria provided. Collection method: clinical testing. Allele origin: germline. Affected: yes. Study: VKGL Data-share Consensus. Not counted in ClinVar's aggregate classification.

NM_144672.4(OTOA):c.2229C>T (p.Ala743=)

Gene: OTOA (otoancorin). Cytogenetic location: 16p12.2.
Variant type: single nucleotide variant.
Coding change: c.2229C>T on transcript NM_144672.4 (MANE Select); coding-DNA position 2229, C replaced by T.
Protein change: p.Ala743=; no amino-acid change (alanine 743 retained).
Molecular consequence: synonymous variant.
Genome position (GRCh38, 1-based): chr16:21,730,858, C>T. VCF-style: chr16-21730858-C-T. GRCh37 (hg19) VCF-style: chr16-21742179-C-T.
Other names: p.Ala743=; c.1992C>T, p.Ala664= (NM_001161683.2); c.1257C>T, p.Ala419= (NM_170664.3).
Identifiers: ClinVar variation 164827 (VCV000164827.25), dbSNP rs461179, ClinGen allele CA177534.